The following is an entry in ClinVar:

ClinVar aggregate classification (germline): Likely pathogenic (1 of 4 stars; one submission).

Conditions:
Dilated cardiomyopathy 1G (CMD1G). Identifiers: Orphanet 154, MedGen C1858763, MONDO:0011400, OMIM 604145.
Autosomal recessive limb-girdle muscular dystrophy type 2J (LGMDR10). Also called: Limb-girdle muscular dystrophy, type 2J; MUSCULAR DYSTROPHY, LIMB-GIRDLE, AUTOSOMAL RECESSIVE 10. Identifiers: Orphanet 140922, MedGen C1837342, MONDO:0012127, OMIM 608807.

Submission:

Labcorp Genetics (formerly Invitae), Labcorp
Classification: Likely pathogenic for Dilated cardiomyopathy 1G; Autosomal recessive limb-girdle muscular dystrophy type 2J. Last evaluated: 2024-09-15. Review status: criteria provided, single submitter. Criteria: Invitae Variant Classification Sherloc (09022015). Collection method: clinical testing. Allele origin: germline.
Comment: This sequence change creates a premature translational stop signal (p.Ile8579Serfs*59) in the TTN gene. While this is not anticipated to result in nonsense mediated decay, it is expected to create a truncated TTN protein. This variant is not present in population databases (gnomAD no frequency). This variant has not been reported in the literature in individuals affected with TTN-related conditions. Algorithms developed to predict the effect of sequence changes on RNA splicing suggest that this variant may create or strengthen a splice site. This variant is located in the I band of TTN (PMID: 25589632). Truncating variants in this region have been reported in individuals affected with autosomal recessive centronuclear myopathy (PMID: 23975875, internal data). Truncating variants in this region have also been identified in individuals affected with autosomal dominant dilated cardiomyopathy and/or cardio-related conditions (PMID: 27869827, 32964742, internal data). In summary, the currently available evidence indicates that the variant is pathogenic, but additional data are needed to prove that conclusively. Therefore, this variant has been classified as Likely Pathogenic.

Literature cited by the submitters: PubMed 25589632; PubMed 23975875; PubMed 27869827; PubMed 32964742.

NM_001267550.2(TTN):c.25735del (p.Ile8579fs)

Gene: TTN (titin; minus strand). Cytogenetic location: 2q31.2.
Variant type: Deletion.
Coding change: c.25735del on transcript NM_001267550.2 (MANE Select); coding-DNA position 25735, one base deleted (A; older notation c.25735delA).
Protein change: p.Ile8579fs; shifts the reading frame from isoleucine 8579.
Molecular consequence: frameshift variant. On other transcripts: intron variant (3).
Genome position (GRCh38, 1-based): chr2:178,715,679, T deleted on the plus strand (A on the coding strand, the reverse complement: TTN is on the minus strand); the first of 3 consecutive T bases (chr2:178,715,679-178,715,681); deleting any one gives the same sequence. VCF-style (leftmost placement, unchanged base first): chr2-178715678-AT-A. GRCh37 (hg19) VCF-style: chr2-179580405-AT-A.
Other names: c.24784del, p.Ile8262fs (NM_001256850.1); c.22003del, p.Ile7335fs (NM_133378.4); c.13282+22403del (NM_003319.4); c.13858+22403del (NM_133437.4); c.13657+22403del (NM_133432.3); short protein forms I7335fs, I8262fs, I8579fs.
Identifiers: ClinVar variation 3757711 (VCV003757711.2).